The following is an entry in ClinVar:

ClinVar aggregate classification (germline): Conflicting classifications of pathogenicity. Review status: criteria provided, conflicting classifications (1 of 4 stars). 4 submissions from 4 submitters: Uncertain significance (3); Likely benign (1). Last evaluated 2026-04-01.

Conditions:
Early-infantile DEE. Also called: Early infantile epileptic encephalopathy; Ohtahara syndrome; Early infantile epileptic encephalopathy with suppression bursts. Identifiers: Orphanet 1934, MedGen C0393706, MONDO:0800491.
Inborn genetic diseases. Identifiers: MedGen C0950123, MeSH D030342.

Allele frequency attached by ClinVar (database versions not stated): gnomAD 0.00001; ExAC 0.00002; gnomAD exomes 0.00003; TOPMed 0.00003.

Submissions (4):

CeGaT Center for Human Genetics Tuebingen
Classification: Likely benign. Last evaluated: 2026-04-01. Review status: criteria provided, single submitter. Criteria: CeGaT Center For Human Genetics Tuebingen Variant Classification Criteria Version 2. Collection method: clinical testing. Allele origin: germline. Affected: yes. Observed: 2 variant alleles.
Comment: SPTAN1: PP2, BP4, BS2

Labcorp Genetics (formerly Invitae), Labcorp
Classification: Uncertain significance for Early-infantile DEE. Last evaluated: 2025-12-17. Review status: criteria provided, single submitter. Criteria: Invitae Variant Classification Sherloc (09022015). Collection method: clinical testing. Allele origin: germline.
Comment: This sequence change replaces valine, which is neutral and non-polar, with isoleucine, which is neutral and non-polar, at codon 2447 of the SPTAN1 protein (p.Val2447Ile). This variant is present in population databases (rs764312862, gnomAD 0.008%). This variant has not been reported in the literature in individuals affected with SPTAN1-related conditions. ClinVar contains an entry for this variant (Variation ID: 840291). An algorithm developed to predict the effect of missense changes on protein structure and function outputs the following: PolyPhen-2: "Benign". The isoleucine amino acid residue is found in multiple mammalian species, which suggests that this missense change does not adversely affect protein function. In summary, the available evidence is currently insufficient to determine the role of this variant in disease. Therefore, it has been classified as a Variant of Uncertain Significance.

Ambry Genetics
Classification: Uncertain significance for Inborn genetic diseases. Last evaluated: 2024-11-22. Review status: criteria provided, single submitter. Criteria: Ambry Variant Classification Scheme 2023. Collection method: clinical testing. Allele origin: germline.

Breakthrough Genomics
Classification: Uncertain significance. Review status: criteria provided, single submitter. Criteria: ACMG Guidelines, 2015. Collection method: not provided. Allele origin: germline. Inheritance: Autosomal dominant inheritance. Affected: yes.

NM_001130438.3(SPTAN1):c.7339G>A (p.Val2447Ile)

Gene: SPTAN1 (spectrin alpha, non-erythrocytic 1; plus strand). Cytogenetic location: 9q34.11.
Variant type: single nucleotide variant.
Coding change: c.7339G>A on transcript NM_001130438.3 (MANE Select); coding-DNA position 7339, G replaced by A.
Protein change: p.Val2447Ile; replaces valine 2447 with isoleucine.
Molecular consequence: missense variant.
Genome position (GRCh38, 1-based): chr9:128,633,239, G>A. VCF-style: chr9-128633239-G-A. GRCh37 (hg19) VCF-style: chr9-131395518-G-A.
Other names: c.7264G>A, p.Val2422Ile (NM_001195532.2); c.7402G>A, p.Val2468Ile (NM_001363759.2); c.7279G>A, p.Val2427Ile (NM_001363765.2, NM_001375314.2); c.7426G>A, p.Val2476Ile (NM_001375310.1); c.7339G>A, p.Val2447Ile (NM_001375311.2); c.7375G>A, p.Val2459Ile (NM_001375312.2); c.7321G>A, p.Val2441Ile (NM_001375313.1); c.7438G>A, p.Val2480Ile (NM_001375318.1); and 1 more; short protein forms V2427I, V2476I, V2441I, V2447I, V2468I, V2422I, V2442I, V2480I.
Identifiers: ClinVar variation 840291 (VCV000840291.20), dbSNP rs764312862, ClinGen allele CA5266086.